The following is an entry in ClinVar:

NM_017636.4(TRPM4):c.85G>C (p.Asp29His)

Gene: TRPM4 (transient receptor potential cation channel subfamily M member 4; plus strand). Cytogenetic location: 19q13.33.
Variant type: single nucleotide variant.
Coding change: c.85G>C on transcript NM_017636.4 (MANE Select); coding-DNA position 85, G replaced by C.
Protein change: p.Asp29His; replaces aspartic acid 29 with histidine.
Molecular consequence: missense variant. On other transcripts: 5 prime UTR variant (3).
Genome position (GRCh38, 1-based): chr19:49,158,252, G>C. VCF-style: chr19-49158252-G-C. GRCh37 (hg19) VCF-style: chr19-49661509-G-C.
Other names: c.85G>C, p.Asp29His (NM_001195227.2, NM_001321281.2); c.-1288G>C (NM_001321282.2); c.-82G>C (NM_001321283.2); c.-245G>C (NM_001321285.2); short protein forms D29H.
Identifiers: ClinVar variation 2785606 (VCV002785606.3), dbSNP rs2041555070, ClinGen allele CA406788128.

ClinVar aggregate classification (germline): Uncertain significance (1 of 4 stars; one submission).

Conditions:
Progressive familial heart block type IB (PFHB1B). Identifiers: Orphanet 871, MedGen C1970298, MONDO:0011474, OMIM 604559.

Allele frequency attached by ClinVar (database versions not stated): gnomAD 0.00001; TOPMed 0.00001.
gnomAD v4.1: 5 of 1,613,690 alleles (0.00031%); highest among the groups gnomAD compares: Non-Finnish European, 0.00042%; no homozygotes.

Submission:

Labcorp Genetics (formerly Invitae), Labcorp
Classification: Uncertain significance for Progressive familial heart block type IB. Last evaluated: 2025-01-12. Review status: criteria provided, single submitter. Criteria: Invitae Variant Classification Sherloc (09022015). Collection method: clinical testing. Allele origin: germline.
Comment: This sequence change replaces aspartic acid, which is acidic and polar, with histidine, which is basic and polar, at codon 29 of the TRPM4 protein (p.Asp29His). This variant is not present in population databases (gnomAD no frequency). This variant has not been reported in the literature in individuals affected with TRPM4-related conditions. ClinVar contains an entry for this variant (Variation ID: 2785606). An algorithm developed to predict the effect of missense changes on protein structure and function (PolyPhen-2) suggests that this variant is likely to be disruptive. In summary, the available evidence is currently insufficient to determine the role of this variant in disease. Therefore, it has been classified as a Variant of Uncertain Significance.